The following is an entry in ClinVar:

NM_024592.5(SRD5A3):c.77T>G (p.Phe26Cys)

Gene: SRD5A3 (steroid 5 alpha-reductase 3; plus strand). Cytogenetic location: 4q12.
Variant type: single nucleotide variant.
Coding change: c.77T>G on transcript NM_024592.5 (MANE Select); coding-DNA position 77, T replaced by G.
Protein change: p.Phe26Cys; replaces phenylalanine 26 with cysteine.
Molecular consequence: missense variant.
Genome position (GRCh38, 1-based): chr4:55,346,413, T>G. VCF-style: chr4-55346413-T-G. GRCh37 (hg19) VCF-style: chr4-56212580-T-G.
Other names: short protein forms F26C.
Identifiers: ClinVar variation 1044387 (VCV001044387.8), dbSNP rs1204016593, ClinGen allele CA356956639.
Genomic context (GRCh38, chr4:55,346,413, plus strand): 5'-AGGCCGAGCACTCGGCGCTGAACCCGCTGCGCGCGGTGTGGCTCACGCTGACCGCCGCCT[T>G]CCTGCTGACCCTACTGCTGCAGCTCCTGCCGCCCGGCCTGCTCCCGGGCTGCGCGATCTT-3'
Protein context (NP_078868.1, residues 16-36): RAVWLTLTAA[Phe26Cys]LLTLLLQLLP

ClinVar aggregate classification (germline): Uncertain significance (1 of 4 stars; one submission).

Conditions:
SRD5A3-congenital disorder of glycosylation. Also called: SRD5A3-CDG; COLOBOMA, OCULAR, WITH ICHTHYOSIS, BRAIN MALFORMATIONS, AND ENDOCRINE ABNORMALITIES; Congenital disorder of glycosylation type 1Q; CDG Iq; Ocular colobomas, ichthyosis, brain malformations and endocrine abnormalities. Identifiers: Orphanet 324737, MedGen C4317224, MONDO:0012885, OMIM 612379.

Allele frequency attached by ClinVar (database versions not stated): gnomAD exomes below 0.00001.
gnomAD v4.1: 3 of 1,597,786 alleles (0.00019%); highest among the groups gnomAD compares: Non-Finnish European, 0.00026%; no homozygotes.

Submission:

Labcorp Genetics (formerly Invitae), Labcorp
Classification: Uncertain significance for SRD5A3-congenital disorder of glycosylation. Last evaluated: 2024-11-05. Review status: criteria provided, single submitter. Criteria: Invitae Variant Classification Sherloc (09022015). Collection method: clinical testing. Allele origin: germline.
Comment: This sequence change replaces phenylalanine, which is neutral and non-polar, with cysteine, which is neutral and slightly polar, at codon 26 of the SRD5A3 protein (p.Phe26Cys). This variant is present in population databases (no rsID available, gnomAD 0.001%). This variant has not been reported in the literature in individuals affected with SRD5A3-related conditions. ClinVar contains an entry for this variant (Variation ID: 1044387). An algorithm developed to predict the effect of missense changes on protein structure and function (PolyPhen-2) suggests that this variant is likely to be disruptive. In summary, the available evidence is currently insufficient to determine the role of this variant in disease. Therefore, it has been classified as a Variant of Uncertain Significance.